The following is an entry in ClinVar:

NM_001130987.2(DYSF):c.2479dup (p.Val827fs)

Gene: DYSF (dysferlin; plus strand). Cytogenetic location: 2p13.2.
Variant type: Duplication.
Coding change: c.2479dup on transcript NM_001130987.2 (MANE Select); coding-DNA position 2479, one base duplicated (G; older notation c.2479dupG).
Protein change: p.Val827fs; shifts the reading frame from valine 827.
Molecular consequence: frameshift variant.
Genome position (GRCh38, 1-based): chr2:71,564,127, G duplicated; the last of 3 consecutive G bases (chr2:71,564,125-71,564,127); duplicating any one gives the same sequence. VCF-style (leftmost placement, unchanged base first): chr2-71564124-C-CG. GRCh37 (hg19) VCF-style: chr2-71791254-C-CG.
Other names: c.2428dup, p.Val810fs (NM_001130455.2, NM_001130983.2); c.2383dup, p.Val795fs (NM_001130976.2, NM_001130977.2); c.2425dup, p.Val809fs (NM_001130978.2, NM_003494.4); c.2518dup, p.Val840fs (NM_001130979.2); c.2476dup, p.Val826fs (NM_001130980.2, NM_001130981.2); c.2521dup, p.Val841fs (NM_001130982.2); c.2386dup, p.Val796fs (NM_001130984.2, NM_001130986.2); c.2479dup, p.Val827fs (NM_001130985.2); short protein forms V795fs, V796fs, V809fs, V810fs, V826fs, V827fs, V840fs, V841fs.
Identifiers: ClinVar variation 5012000 (VCV005012000.1).

ClinVar aggregate classification (germline): Pathogenic (1 of 4 stars; one submission).

Conditions:
Autosomal recessive limb-girdle muscular dystrophy. Identifiers: Orphanet 102015, MedGen C2931907, MONDO:0015152.

Submission:

Myriad Genetics, Inc.
Classification: Pathogenic for Autosomal recessive limb-girdle muscular dystrophy. Last evaluated: 2023-09-27. Review status: criteria provided, single submitter. Criteria: Myriad Autosomal Dominant, Autosomal Recessive and X-Linked Classification Criteria (2023). Collection method: clinical testing. Allele origin: unknown.
Comment: NM_003494.3(DYSF):c.2425dupG(V809Gfs*56) is expected to be pathogenic in the context of dysferlinopathy. This variant is predicted to lead to an abnormal or absent protein product due to the creation of a premature termination codon in DYSF, a gene where loss-of-function variants are known to be pathogenic. Please note: this variant was assessed in the context of healthy population screening.